The following is an entry in ClinVar:

ClinVar aggregate classification (germline): Likely benign. Review status: criteria provided, multiple submitters, no conflicts (2 of 4 stars). 3 submissions from 3 submitters: Likely benign (3). Last evaluated 2025-10-29.

Conditions:
Inborn genetic diseases. Identifiers: MedGen C0950123, MeSH D030342.
ERCC6L2-related disorder. Also called: ERCC6L2-related condition.

Allele frequency attached by ClinVar (database versions not stated): gnomAD exomes 0.00002 and 0.00003; ExAC 0.00006; 1000 Genomes Project 30x 0.00016; 1000 Genomes Project 0.00020; ESP Exome Variant Server 0.00023; gnomAD 0.00027 and 0.00030; TOPMed 0.00029.
gnomAD v4.1: 74 of 1,610,712 alleles (0.0046%); highest among the groups gnomAD compares: African/African-American, 0.092%; no homozygotes.

Submissions (3):

Labcorp Genetics (formerly Invitae), Labcorp
Classification: Likely benign. Last evaluated: 2025-10-29. Review status: criteria provided, single submitter. Criteria: Invitae Variant Classification Sherloc (09022015). Collection method: clinical testing. Allele origin: germline.

PreventionGenetics, part of Exact Sciences
Classification: Likely benign for ERCC6L2-related condition. Last evaluated: 2025-01-14. Review status: criteria provided, single submitter. Criteria: ACMG Guidelines, 2015. Collection method: clinical testing. Allele origin: germline.
Comment: This variant is classified as likely benign based on ACMG/AMP sequence variant interpretation guidelines (Richards et al. 2015 PMID: 25741868, with internal and published modifications).

Ambry Genetics
Classification: Likely benign for Inborn genetic diseases. Last evaluated: 2024-11-25. Review status: criteria provided, single submitter. Criteria: Ambry Variant Classification Scheme 2023. Collection method: clinical testing. Allele origin: germline.

NM_020207.7(ERCC6L2):c.1623G>A (p.Gln541=)

Gene: ERCC6L2 (ERCC excision repair 6 like 2; plus strand). Cytogenetic location: 9q22.32.
Variant type: single nucleotide variant.
Coding change: c.1623G>A on transcript NM_020207.7 (MANE Select); coding-DNA position 1623, G replaced by A.
Protein change: p.Gln541=; no amino-acid change (glutamine 541 retained).
Molecular consequence: synonymous variant. On other transcripts: non-coding transcript variant (1).
Genome position (GRCh38, 1-based): chr9:95,928,736, G>A. VCF-style: chr9-95928736-G-A. GRCh37 (hg19) VCF-style: chr9-98691018-G-A.
Other names: c.1623G>A, p.Gln541= (NM_001010895.4, NM_001375291.1, NM_001375292.1 and 2 more transcripts); c.1656G>A (NM_001010895.2).
Identifiers: ClinVar variation 1154618 (VCV001154618.11), dbSNP rs139587179, ClinGen allele CA5139636.